The following is an entry in ClinVar:

NM_198578.4(LRRK2):c.6694G>A (p.Gly2232Arg)

Gene: LRRK2 (leucine rich repeat kinase 2; plus strand). Cytogenetic location: 12q12.
Variant type: single nucleotide variant.
Coding change: c.6694G>A on transcript NM_198578.4 (MANE Select); coding-DNA position 6694, G replaced by A.
Protein change: p.Gly2232Arg; replaces glycine 2232 with arginine.
Molecular consequence: missense variant.
Genome position (GRCh38, 1-based): chr12:40,354,416, G>A. VCF-style: chr12-40354416-G-A. GRCh37 (hg19) VCF-style: chr12-40748218-G-A.
Other names: short protein forms G2232R.
Identifiers: ClinVar variation 1754923 (VCV001754923.7), dbSNP rs987168018, ClinGen allele CA235346107.

ClinVar aggregate classification (germline): Uncertain significance. Review status: criteria provided, multiple submitters, no conflicts (2 of 4 stars). 2 submissions from 2 submitters: Uncertain significance (2). Last evaluated 2022-06-12.

Conditions:
Autosomal dominant Parkinson disease 8. Also called: LRRK2-Related Parkinson Disease; Parkinson disease 8; Parkinson disease 8, susceptibility to. Identifiers: Orphanet 411602, MedGen C1846862, MONDO:0011764, OMIM 607060.
Inborn genetic diseases. Identifiers: MedGen C0950123, MeSH D030342.

Allele frequency attached by ClinVar (database versions not stated): gnomAD exomes below 0.00001; TOPMed below 0.00001; gnomAD 0.00001.
gnomAD v4.1: 2 of 1,613,966 alleles (0.00012%); highest among the groups gnomAD compares: Admixed American, 0.0017%; no homozygotes.

Submissions (2):

Ambry Genetics
Classification: Uncertain significance for Inborn genetic diseases. Last evaluated: 2022-06-12. Review status: criteria provided, single submitter. Criteria: Ambry Variant Classification Scheme 2023. Collection method: clinical testing. Allele origin: germline.
Comment: The p.G2232R variant (also known as c.6694G>A), located in coding exon 45 of the LRRK2 gene, results from a G to A substitution at nucleotide position 6694. The glycine at codon 2232 is replaced by arginine, an amino acid with dissimilar properties. This amino acid position is conserved. In addition, this alteration is predicted to be tolerated by in silico analysis. Since supporting evidence is limited at this time, the clinical significance of this alteration remains unclear.

Labcorp Genetics (formerly Invitae), Labcorp
Classification: Uncertain significance for Autosomal dominant Parkinson disease 8. Last evaluated: 2022-04-18. Review status: criteria provided, single submitter. Criteria: Invitae Variant Classification Sherloc (09022015). Collection method: clinical testing. Allele origin: germline.
Comment: Algorithms developed to predict the effect of missense changes on protein structure and function output the following: SIFT: "Tolerated"; PolyPhen-2: "Benign"; Align-GVGD: "Class C0". The arginine amino acid residue is found in multiple mammalian species, which suggests that this missense change does not adversely affect protein function. In summary, the available evidence is currently insufficient to determine the role of this variant in disease. Therefore, it has been classified as a Variant of Uncertain Significance. This sequence change replaces glycine, which is neutral and non-polar, with arginine, which is basic and polar, at codon 2232 of the LRRK2 protein (p.Gly2232Arg). This variant is not present in population databases (gnomAD no frequency). This variant has not been reported in the literature in individuals affected with LRRK2-related conditions.